The following is an entry in ClinVar:

ClinVar aggregate classification (germline): Uncertain significance. Review status: criteria provided, multiple submitters, no conflicts (2 of 4 stars). 2 submissions from 2 submitters: Uncertain significance (2). Last evaluated 2025-02-28.

Conditions:
Primary ciliary dyskinesia. Also called: Ciliary dyskinesia. Identifiers: Orphanet 244, MedGen C0008780, MONDO:0016575, HP:0012265.

Allele frequency attached by ClinVar (database versions not stated): gnomAD exomes below 0.00001; ExAC 0.00001.
gnomAD v4.1: 8 of 1,613,612 alleles (0.0005%); highest among the groups gnomAD compares: Non-Finnish European, 0.00051%; no homozygotes.

Submissions (2):

Labcorp Genetics (formerly Invitae), Labcorp
Classification: Uncertain significance for Primary ciliary dyskinesia. Last evaluated: 2025-02-28. Review status: criteria provided, single submitter. Criteria: Invitae Variant Classification Sherloc (09022015). Collection method: clinical testing. Allele origin: germline.
Comment: This sequence change replaces threonine, which is neutral and polar, with isoleucine, which is neutral and non-polar, at codon 489 of the DNAH5 protein (p.Thr489Ile). This variant is not present in population databases (gnomAD no frequency). This variant has not been reported in the literature in individuals affected with DNAH5-related conditions. ClinVar contains an entry for this variant (Variation ID: 1351726). Invitae Evidence Modeling of protein sequence and biophysical properties (such as structural, functional, and spatial information, amino acid conservation, physicochemical variation, residue mobility, and thermodynamic stability) indicates that this missense variant is not expected to disrupt DNAH5 protein function with a negative predictive value of 95%. In summary, the available evidence is currently insufficient to determine the role of this variant in disease. Therefore, it has been classified as a Variant of Uncertain Significance.

Ambry Genetics
Classification: Uncertain significance for Primary ciliary dyskinesia. Last evaluated: 2024-01-31. Review status: criteria provided, single submitter. Criteria: Ambry Variant Classification Scheme 2023. Collection method: clinical testing. Allele origin: germline.

NM_001369.3(DNAH5):c.1466C>T (p.Thr489Ile)

Gene: DNAH5 (dynein axonemal heavy chain 5; minus strand). Cytogenetic location: 5p15.2.
Variant type: single nucleotide variant.
Coding change: c.1466C>T on transcript NM_001369.3 (MANE Select); coding-DNA position 1466, C replaced by T.
Protein change: p.Thr489Ile; replaces threonine 489 with isoleucine.
Molecular consequence: missense variant.
Genome position (GRCh38, 1-based): chr5:13,913,813, G>A on the plus strand (C>T on the coding strand, the complement: DNAH5 is on the minus strand). VCF-style: chr5-13913813-G-A. GRCh37 (hg19) VCF-style: chr5-13913922-G-A.
Other names: c.1466C>T (NM_001369.2); short protein forms T489I.
Identifiers: ClinVar variation 1351726 (VCV001351726.7), dbSNP rs764562876, ClinGen allele CA3204846.
Genomic context (GRCh38, chr5:13,913,813, plus strand): 5'-GTGGCCATGTCTTCCAGCCCTTCAATTGTGGAATCTTGCAGGACTGAATACGTCTTGAGG[G>A]TTGTAAAGATGTCTATTATCTTGGCAAGGCGTCGGTGAAAAGTTTCGAATTTTCCAAAAA-3'
Protein context (NP_001360.1, residues 479-499): RLAKIIDIFT[Thr489Ile]LKTYSVLQDS